The following is an entry in ClinVar:

NM_001244008.2(KIF1A):c.5119A>G (p.Met1707Val)

Gene: KIF1A (kinesin family member 1A; minus strand). Cytogenetic location: 2q37.3.
Variant type: single nucleotide variant.
Coding change: c.5119A>G on transcript NM_001244008.2 (MANE Select); coding-DNA position 5119, A replaced by G.
Protein change: p.Met1707Val; replaces methionine 1707 with valine.
Molecular consequence: missense variant.
Genome position (GRCh38, 1-based): chr2:240,719,101, T>C on the plus strand (A>G on the coding strand, the complement: KIF1A is on the minus strand). VCF-style: chr2-240719101-T-C. GRCh37 (hg19) VCF-style: chr2-241658518-T-C.
Other names: c.4843A>G, p.Met1615Val (NM_001320705.2, NM_001379649.1); c.4870A>G, p.Met1624Val (NM_001330289.2); c.4918A>G, p.Met1640Val (NM_001330290.2, NM_001379648.1); c.5194A>G, p.Met1732Val (NM_001379631.1); c.5095A>G, p.Met1699Val (NM_001379632.1); c.5092A>G, p.Met1698Val (NM_001379633.1, NM_001379645.1); c.4945A>G, p.Met1649Val (NM_001379634.1); c.4942A>G, p.Met1648Val (NM_001379635.1, NM_001379646.1); and 7 more; short protein forms M1605V, M1606V, M1614V, M1615V, M1623V, M1624V, M1631V, M1640V.
Identifiers: ClinVar variation 3375678 (VCV003375678.1).

ClinVar aggregate classification (germline): Uncertain significance (1 of 4 stars; one submission).

Submission:

GeneDx
Classification: Uncertain significance. Last evaluated: 2024-05-09. Review status: criteria provided, single submitter. Criteria: GeneDx Variant Classification Process June 2021. Collection method: clinical testing. Allele origin: germline. Affected: yes.
Comment: Not observed at significant frequency in large population cohorts (gnomAD); In silico analysis indicates that this missense variant does not alter protein structure/function; Has not been previously published as pathogenic or benign to our knowledge; This variant is associated with the following publications: (PMID: 21376300, 21820098, 26125038)